The following is an entry in ClinVar:

NM_001040142.2(SCN2A):c.1383+189A>C

Gene: SCN2A (sodium voltage-gated channel alpha subunit 2; plus strand). Cytogenetic location: 2q24.3.
Variant type: single nucleotide variant.
Coding change: c.1383+189A>C on transcript NM_001040142.2 (MANE Select); 189 bases into the intron after coding-DNA position 1383, A replaced by C.
Molecular consequence: intron variant.
Genome position (GRCh38, 1-based): chr2:165,314,297, A>C. VCF-style: chr2-165314297-A-C. GRCh37 (hg19) VCF-style: chr2-166170807-A-C.
Other names: c.1383+189A>C (NM_001040143.2, NM_001371246.1, NM_001371247.1 and 1 more transcripts).
Identifiers: ClinVar variation 677321 (VCV000677321.1), dbSNP rs73023770, ClinGen allele CA59730949.

ClinVar aggregate classification (germline): Benign (1 of 4 stars; one submission).

Allele frequency attached by ClinVar (database versions not stated): gnomAD 0.01872; TOPMed 0.02206; 1000 Genomes Project 0.02915; 1000 Genomes Project 30x 0.03107.
gnomAD v4.1: 3,038 of 152,280 alleles (2%); highest among the groups gnomAD compares: African/African-American, 6.3%; 83 homozygotes.

Submission:

GeneDx
Classification: Benign. Last evaluated: 2018-06-14. Review status: criteria provided, single submitter. Criteria: GeneDx Variant Classification (06012015). Collection method: clinical testing. Allele origin: germline. Affected: yes.
Comment: This variant is considered likely benign or benign based on one or more of the following criteria: it is a conservative change, it occurs at a poorly conserved position in the protein, it is predicted to be benign by multiple in silico algorithms, and/or has population frequency not consistent with disease.